The following continues an entry in ClinVar:

NM_001042492.3(NF1):c.6855C>A (p.Tyr2285Ter)

Gene: NF1. ClinVar aggregate classification (germline): Pathogenic. Pathogenic (31).

Submissions 13 to 26 of 33:

Quest Diagnostics Nichols Institute San Juan Capistrano
Classification: Pathogenic. Last evaluated: 2023-07-13. Review status: criteria provided, single submitter. Criteria: Quest Diagnostics criteria. Collection method: clinical testing. Allele origin: unknown.
Comment: The NF1 c.6792C>A (p.Tyr2264*, also known Y2264X) variant creates a premature stop codon in the NF1 gene. RNA studies have shown this variant does not trigger nonsense-mediated decay, but causes the in-frame skipping of exon 45 (also known as exon 37, c.2253_2286) in the NF1 gene (PMIDs: 22925204 (2013), 9463322 (1998), 9385374 (1997)). This variant has been reported in multiple individuals/families with neurofibromatosis type 1 (PMIDs: 30530636 (2019), 31347283 (2019), 31730495 (2019), 30290804 (2018), 26962827 (2016), 27322474 (2016), 23668869 (2013), 23913538 (2013), 17311297 (2007), 16479075 (2006), 15060124 (2004), 12807981 (2003), 12112660 (2002), 10607834 (2000)), including one de novo case (PMID: 27838393 (2017)). The frequency of this variant in the general population, 0.000007 (1/152150 chromosomes (Genome Aggregation Database)), is consistent with pathogenicity. Based on the available information, this variant is classified as pathogenic.

Department of Human Genetics, Hannover Medical School
Classification: Pathogenic for Neurofibromatosis, type 1. Last evaluated: 2023-07-03. Review status: criteria provided, single submitter. Criteria: ACMG Guidelines, 2015. Collection method: clinical testing. Allele origin: germline. Inheritance: Autosomal dominant inheritance. Affected: yes.

Institute of Medical Genetics and Applied Genomics, University Hospital Tübingen
Classification: Pathogenic for Neurofibromatosis, type 1. Last evaluated: 2023-05-25. Review status: criteria provided, single submitter. Criteria: ACMG Guidelines, 2015. Collection method: clinical testing. Allele origin: germline. Inheritance: Autosomal dominant inheritance. Affected: yes.

ARUP Laboratories, Molecular Genetics and Genomics, ARUP Laboratories
Classification: Pathogenic. Last evaluated: 2023-03-14. Review status: criteria provided, single submitter. Criteria: ARUP Molecular Germline Variant Investigation Process 2024. Collection method: clinical testing. Allele origin: germline.
Comment: The NF1 c.6855C>A; p.Tyr2285Ter variant (rs772295894), also known as c.6792C>A; p.Tyr2264Ter for NM_000267, is described as a recurrent variant associated with neurofibromatosis type 1 and studies have also shown it to cause exon skipping (Buske 1999, Hernandez-Imaz 2013, Robinson 1995, Sabbagh 2013, Wimmer 2007, Zhu 2016). This variant is also reported in ClinVar (Variation ID: 185082). It is absent from the Genome Aggregation Database, indicating it is not a common polymorphism. This variant induces an early termination codon and is predicted to result in a truncated protein or mRNA subject to nonsense-mediated decay. Based on available information, this variant is considered to be pathogenic. References: Buske A et al. Recurrent NF1 gene mutation in a patient with oligosymptomatic neurofibromatosis type 1 (NF1). Am J Med Genet. 1999 Oct 8;86(4):328-30. PMID: 10494088 Hernandez-Imaz E et al. Characterization of NF1 allele containing two nonsense mutations in exon 37 that segregates with neurofibromatosis type 1. Clin Genet. 2013 May;83(5):462-6. PMID: 22925204 Robinson PN et al. Two recurrent nonsense mutations and a 4 bp deletion in a quasi-symmetric element in exon 37 of the NF1 gene. Hum Genet. 1995 Jul;96(1):95-8. PMID: 7607663 Sabbagh A et al. NF1 molecular characterization and neurofibromatosis type I genotype-phenotype correlation: the French experience. Hum Mutat. 2013 Nov;34(11):1510-8. PMID: 23913538 Wimmer K et al. Extensive in silico analysis of NF1 splicing defects uncovers determinants for splicing outcome upon 5' splice-site disruption. Hum Mutat. 2007 Jun;28(6):599-612. PMID: 17311297 Zhu L et al. Clinical and Molecular Characterization of NF1 Patients: Single-Center Experience of 32 Patients From China. Medicine (Baltimore). 2016 Mar;95(10):e3043. PMID: 26962827

Genome-Nilou Lab
Classification: Pathogenic for Neurofibromatosis, type 1. Last evaluated: 2022-03-15. Review status: criteria provided, single submitter. Criteria: ACMG Guidelines, 2015. Collection method: clinical testing. Allele origin: germline. Affected: no.

Victorian Clinical Genetics Services, Murdoch Childrens Research Institute
Classification: Pathogenic for Neurofibromatosis, type 1. Last evaluated: 2022-02-02. Review status: criteria provided, single submitter. Criteria: ACMG Guidelines, 2015. Collection method: clinical testing. Allele origin: germline. Inheritance: Autosomal dominant inheritance.
Comment: Based on the classification scheme VCGS_Germline_v1.3.4, this variant is classified as Pathogenic. Following criteria are met: 0102 - Loss of function is a known mechanism of disease in this gene and is associated with neurofibromatosis type 1 (NF1; MIM#162200). (I) 0107 - This gene is associated with autosomal dominant disease. (I) 0115 - Variants in this gene are known to have variable expressivity. A child can be more severely affected than the carrier parent (PMID: 20301288). (I) 0201 - Variant is predicted to cause nonsense-mediated decay (NMD) and loss of protein (premature termination codon is located at least 54 nucleotides upstream of the final exon-exon junction). (SP) 0251 - This variant is heterozygous. (I) 0302 - Variant is present in gnomAD (v3) <0.001 for a dominant condition (2 heterozygotes, 0 homozygotes). (SP) 0801 - This variant has strong previous evidence of pathogenicity in unrelated individuals. This is a recurrent pathogenic variant associated with neurofibromatosis type 1 (ClinVar). (SP) 1204 - This variant has been shown to be de novo in the proband (parental status not tested but assumed) (external report). (SP) Legend: (SP) - Supporting pathogenic, (I) - Information, (SB) - Supporting benign

GeneDx
Classification: Pathogenic. Last evaluated: 2021-10-26. Review status: criteria provided, single submitter. Criteria: GeneDx Variant Classification Process June 2021. Collection method: clinical testing. Allele origin: germline. Affected: yes.
Comment: Nonsense variant predicted to result in protein truncation or nonsense mediated decay, with some studies showing skipping of exon 37 in 20-30% of transcripts (Wimmer 2007, Hernandez-Imaz 2013); Observed de novo with and without confirmed parentage in multiple unrelated patients with neurofibromatosis type 1 referred for genetic testing at GeneDx and in published literature (Cali 2017); Not observed in large population cohorts (Lek 2016); This variant is associated with the following publications: (PMID: 31370276, 30530636, 28152038, 7607663, 27074763, 31730495, 32582540, 10494088, 17311297, 23913538, 25525159, 26962827, 27838393, 22925204, 30290804, 31766501, 31347283, 31645347, 31776437, 32623769, 33469372, 33911094, 34273915, 34080803, Kirat[article])

Genetics and Molecular Pathology, SA Pathology
Classification: Pathogenic for Neurofibromatosis, type 1. Last evaluated: 2021-10-26. Review status: criteria provided, single submitter. Criteria: ACMG Guidelines, 2015. Collection method: clinical testing. Allele origin: germline. Inheritance: Autosomal dominant inheritance. Affected: yes.
Comment: The NF1 c.6855C>A variant is classified as Pathogenic (PVS1, PS4_Moderate, PS3, PM2, PP4) Also known as(NM_000267.3):c.6792C>G;p.(Tyr2264*) in exon 37

Revvity Omics, Revvity
Classification: Pathogenic. Last evaluated: 2021-09-07. Review status: criteria provided, single submitter. Criteria: ACMG Guidelines, 2015. Collection method: clinical testing. Allele origin: germline.

MGZ Medical Genetics Center
Classification: Pathogenic for Neurofibromatosis, type 1. Last evaluated: 2021-08-09. Review status: criteria provided, single submitter. Criteria: ACMG Guidelines, 2015. Collection method: clinical testing. Allele origin: germline. Affected: yes. Observed: 1 variant allele.
Comment: ACMG criteria applied: PVS1, PM2_SUP, PP4

New York Genome Center
Classification: Pathogenic for Neurofibromatosis, type 1. Last evaluated: 2021-07-23. Review status: criteria provided, single submitter. Criteria: NYGC Assertion Criteria 2020. Collection method: clinical testing. Allele origin: inherited. Affected: yes. Observed: 1 heterozygote. Study: CSER-NYCKidSeq. Segregation with disease observed.
Comment: The inherited heterozygous nonsense variant c.6855C>A, p.Tyr2285Ter identified in NF1 has been reported in individuals affected with NF1-related disorders (PMID:7607663, 9385374, 10607834, 12807981, 17311297, 26962827). The variant has one heterozygous in gnomAD v3.1.1 database indicating it is an extremely rare allele in the populations represented in this database. This variant is predicted to cause loss of normal protein function either through proteintruncation or nonsense-mediated mRNA decay. Loss of function variants in NF1 are known to be pathogenic. Based on the available evidence, the inherited c.6855C>A, p.Tyr2285Ter variant in the NF1 gene is classified as pathogenic.

CeGaT Center for Human Genetics Tuebingen
Classification: Pathogenic. Last evaluated: 2021-01-01. Review status: criteria provided, single submitter. Criteria: CeGaT Center For Human Genetics Tuebingen Variant Classification Criteria Version 2. Collection method: clinical testing. Allele origin: germline. Affected: yes. Observed: 1 variant allele.

Genome Diagnostics Laboratory, The Hospital for Sick Children
Classification: Pathogenic for Neurofibromatosis, type 1. Last evaluated: 2020-10-26. Review status: criteria provided, single submitter. Criteria: ACMG Guidelines, 2015. Collection method: clinical testing. Allele origin: germline. Affected: yes.

Women's Health and Genetics/Laboratory Corporation of America, LabCorp
Classification: Pathogenic for Neurofibromatosis, type 1. Last evaluated: 2020-09-29. Review status: criteria provided, single submitter. Criteria: LabCorp Variant Classification Summary - May 2015. Collection method: clinical testing. Allele origin: germline.
Comment: Variant summary: NF1 c.6792C>A (p.Tyr2264X) results in a premature termination codon, predicted to cause a truncation of the encoded protein or absence of the protein due to nonsense mediated decay, which are commonly known mechanisms for disease. Truncations downstream of this position have been classified as pathogenic by our laboratory. In addition, multiple functional studies report experimental evidence that this variant affects mRNA splicing and results in exon 45 skipping (Hoffmeyer_1998, Ars_2000, Baralle_2006). The variant was absent in 251198 control chromosomes (gnomAD). c.6792C>A has been reported in the literature in multiple individuals affected with Neurofibromatosis Type 1 and cosegregated with the disease phenotype in families (Robinson_1995, Hoffmeyer_1998, Ars_2000, Assunto_2019). These data indicate that the variant is very likely to be associated with disease. Ten ClinVar submitters (evaluation after 2014) cite the variant as pathogenic. Based on the evidence outlined above, the variant was classified as pathogenic.